The following is an entry in ClinVar:

NM_000275.3(OCA2):c.1784+1G>A

Gene: OCA2 (OCA2 melanosomal transmembrane protein; minus strand). Cytogenetic location: 15q13.1.
Variant type: single nucleotide variant.
Coding change: c.1784+1G>A on transcript NM_000275.3 (MANE Select); the canonical splice donor site of the intron after coding-DNA position 1784, G replaced by A.
Molecular consequence: splice donor variant.
Genome position (GRCh38, 1-based): chr15:27,957,587, C>T on the plus strand (G>A on the coding strand, the complement: OCA2 is on the minus strand). VCF-style: chr15-27957587-C-T. GRCh37 (hg19) VCF-style: chr15-28202733-C-T.
Other names: c.1712+1G>A (NM_001300984.2).
Identifiers: ClinVar variation 2137633 (VCV002137633.6), dbSNP rs2506575006, ClinGen allele CA391365505.

ClinVar aggregate classification (germline): Pathogenic/Likely pathogenic. Review status: criteria provided, multiple submitters, no conflicts (2 of 4 stars). 3 submissions from 3 submitters: Pathogenic (2); Likely pathogenic (1). Last evaluated 2023-12-07.

Conditions:
OCA2-related disorder. Also called: OCA2-related condition.

Submissions (3):

GeneDx
Classification: Pathogenic. Last evaluated: 2023-12-07. Review status: criteria provided, single submitter. Criteria: GeneDx Variant Classification Process June 2021. Collection method: clinical testing. Allele origin: germline. Affected: yes.
Comment: Identified with a second OCA2 variant, phase unknown, in an individual with oculocutaneous albinism in the published literature (PMID: 22042571); Canonical splice site variant predicted to result in a null allele in a gene for which loss of function is a known mechanism of disease; Not observed at significant frequency in large population cohorts (gnomAD); This variant is associated with the following publications: (PMID: 21541274, 12713581, 16199547, 19865097, 22042571)

Labcorp Genetics (formerly Invitae), Labcorp
Classification: Pathogenic. Last evaluated: 2022-09-09. Review status: criteria provided, single submitter. Criteria: Invitae Variant Classification Sherloc (09022015). Collection method: clinical testing. Allele origin: germline.
Comment: This sequence change affects a donor splice site in intron 16 of the OCA2 gene. It is expected to disrupt RNA splicing. Variants that disrupt the donor or acceptor splice site typically lead to a loss of protein function (PMID: 16199547), and loss-of-function variants in OCA2 are known to be pathogenic (PMID: 19865097, 21541274). This variant is not present in population databases (gnomAD no frequency). Disruption of this splice site has been observed in individual(s) with oculocutaneous albinism (PMID: 22042571). Algorithms developed to predict the effect of sequence changes on RNA splicing suggest that this variant may disrupt the consensus splice site. For these reasons, this variant has been classified as Pathogenic.

Blueprint Genetics
Classification: Likely pathogenic for OCA2-related disorders. Last evaluated: 2019-08-27. Review status: criteria provided, single submitter. Criteria: ACMG Guidelines, 2015. Collection method: clinical testing. Allele origin: germline. Affected: yes. Observed: 2 variant alleles.

Literature cited by the submitters: PubMed 16199547 (cited by Labcorp Genetics (formerly Invitae), Labcorp); PubMed 19865097 (cited by Labcorp Genetics (formerly Invitae), Labcorp); PubMed 21541274 (cited by Labcorp Genetics (formerly Invitae), Labcorp); PubMed 22042571 (cited by Labcorp Genetics (formerly Invitae), Labcorp).